The following is an entry in ClinVar:

NM_000540.3(RYR1):c.1825A>G (p.Asn609Asp)

Gene: RYR1 (ryanodine receptor 1; plus strand). Cytogenetic location: 19q13.2.
Variant type: single nucleotide variant.
Coding change: c.1825A>G on transcript NM_000540.3 (MANE Select); coding-DNA position 1825, A replaced by G.
Protein change: p.Asn609Asp; replaces asparagine 609 with aspartic acid.
Molecular consequence: missense variant.
Genome position (GRCh38, 1-based): chr19:38,457,530, A>G. VCF-style: chr19-38457530-A-G. GRCh37 (hg19) VCF-style: chr19-38948170-A-G.
Other names: c.1825A>G, p.Asn609Asp (NM_001042723.2); short protein forms N609D.
Identifiers: ClinVar variation 429998 (VCV000429998.2), dbSNP rs1131691719, ClinGen allele CA405693811.

ClinVar aggregate classification (germline): Uncertain significance (1 of 4 stars; one submission).

Submission:

GeneDx
Classification: Uncertain significance. Last evaluated: 2017-05-17. Review status: criteria provided, single submitter. Criteria: GeneDx Variant Classification (06012015). Collection method: clinical testing. Allele origin: germline. Affected: yes.
Comment: The N609D variant in the RYR1 gene has not been reported previously as a pathogenic variant, nor as a benign variant, to our knowledge. The N609D variant is not observed in large population cohorts (Lek et al., 2016; 1000 Genomes Consortium et al., 2015; Exome Variant Server). The N609D variant is a semi-conservative amino acid substitution, which may impact secondary protein structure as these residues differ in some properties. This substitution occurs at a position that is conserved across species. In silico analysis predicts this variant is probably damaging to the protein structure/function. We interpret N609D as a variant of uncertain significance.